The following is an entry in ClinVar:

ClinVar aggregate classification (germline): Uncertain significance. Review status: criteria provided, multiple submitters, no conflicts (2 of 4 stars). 2 submissions from 2 submitters: Uncertain significance (2). Last evaluated 2025-09-16.

Conditions:
Polycystic kidney disease 2 (PKD2). Also called: POLYCYSTIC KIDNEY DISEASE, ADULT, TYPE II; POLYCYSTIC KIDNEY DISEASE 2 WITH OR WITHOUT POLYCYSTIC LIVER DISEASE; Polycystic Kidney Disease 2, Autosomal Dominant. Identifiers: MedGen C2751306, MONDO:0013131, OMIM 613095.

Submissions (2):

Women's Health and Genetics/Laboratory Corporation of America, LabCorp
Classification: Uncertain significance. Last evaluated: 2025-09-16. Review status: criteria provided, single submitter. Criteria: LabCorp Variant Classification Summary - May 2015. Collection method: clinical testing. Allele origin: germline.
Comment: Variant summary: PKD2 c.1181_1183delATT (p.Asp394_Leu395delinsVal) results in an in-frame deletion-insertion that is predicted to delete/insert one amino acids from the protein and also cause changes in one amino acids. The variant was absent in 250900 control chromosomes. The available data on variant occurrences in the general population are insufficient to allow any conclusion about variant significance. To our knowledge, no occurrence of c.1181_1183delATT in individuals affected with PKD2-related conditions and no experimental evidence demonstrating its impact on protein function have been reported. ClinVar contains an entry for this variant (Variation ID: 2434876). Based on the evidence outlined above, the variant was classified as uncertain significance.

Revvity Omics, Revvity
Classification: Uncertain significance for Polycystic kidney disease 2. Last evaluated: 2021-04-06. Review status: criteria provided, single submitter. Criteria: ACMG Guidelines, 2015. Collection method: clinical testing. Allele origin: germline.

NM_000297.4(PKD2):c.1181_1183del (p.Asp394_Leu395delinsVal)

Gene: PKD2 (polycystin 2, transient receptor potential cation channel; plus strand). Cytogenetic location: 4q22.1.
Variant type: Deletion.
Coding change: c.1181_1183del on transcript NM_000297.4 (MANE Select); coding-DNA positions 1181 to 1183, 3 bases deleted (ATT; older notation c.1181_1183delATT).
Protein change: p.Asp394_Leu395delinsVal.
Molecular consequence: inframe indel. On other transcripts: non-coding transcript variant (1).
Genome position (GRCh38, 1-based): chr4:88,043,319-88,043,321, ATT deleted. VCF-style (leftmost placement, unchanged base first): chr4-88043318-GATT-G. GRCh37 (hg19) VCF-style: chr4-88964470-GATT-G.
Other names: c.1181_1183delATT (NM_000297.4).
Identifiers: ClinVar variation 2434876 (VCV002434876.4), dbSNP rs1578133676, ClinGen allele CA917247559.